The following is an entry in ClinVar:

NM_000116.5(TAFAZZIN):c.270G>A (p.Leu90=)

Gene: TAFAZZIN (tafazzin, phospholipid-lysophospholipid transacylase; plus strand). Cytogenetic location: Xq28.
Variant type: single nucleotide variant.
Coding change: c.270G>A on transcript NM_000116.5 (MANE Select); coding-DNA position 270, G replaced by A.
Protein change: p.Leu90=; no amino-acid change (leucine 90 retained).
Molecular consequence: synonymous variant. On other transcripts: non-coding transcript variant (1).
Genome position (GRCh38, 1-based): chrX:154,413,238, G>A. VCF-style: chrX-154413238-G-A. GRCh37 (hg19) VCF-style: chrX-153641575-G-A.
Other names: c.324G>A, p.Leu108= (NM_001303465.2); c.270G>A, p.Leu90= (NM_181311.4, NM_181312.4, NM_181313.4).
Identifiers: ClinVar variation 914160 (VCV000914160.9), dbSNP rs781986219, ClinGen allele CA10562298.

ClinVar aggregate classification (germline): Conflicting classifications of pathogenicity. Review status: criteria provided, conflicting classifications (1 of 4 stars). 5 submissions from 3 submitters: Uncertain significance (1); Likely benign (4). Last evaluated 2026-01-18.

Conditions:
Primary dilated cardiomyopathy (DCM). Also called: Dilated Cardiomyopathy. Identifiers: Orphanet 217604, MedGen C0007193, MeSH D002311, MONDO:0005021, HP:0001644. Inheritance: Various modes of inheritance.
Endocardial fibroelastosis (EFE). Identifiers: Orphanet 2022, MedGen C0014117, MONDO:0009169, OMIM 226000, HP:0001706.
3-Methylglutaconic aciduria type 2 (BTHS). Also called: Barth syndrome; CARDIOSKELETAL MYOPATHY WITH NEUTROPENIA AND ABNORMAL MITOCHONDRIA. Identifiers: Orphanet 111, MedGen C0574083, MONDO:0010543, OMIM 302060.

Allele frequency attached by ClinVar (database versions not stated): gnomAD exomes 0.00001 and 0.00003; TOPMed 0.00001; gnomAD 0.00002; ExAC 0.00005.
gnomAD v4.1: 8 of 1,210,713 alleles (0.00066%); highest among the groups gnomAD compares: East Asian, 0.024%; no homozygotes.

Submissions (5):

Labcorp Genetics (formerly Invitae), Labcorp
Classification: Likely benign for 3-Methylglutaconic aciduria type 2. Last evaluated: 2026-01-18. Review status: criteria provided, single submitter. Criteria: Invitae Variant Classification Sherloc (09022015). Collection method: clinical testing. Allele origin: germline.

Blueprint Genetics
Classification: Likely benign. Last evaluated: 2020-07-28. Review status: criteria provided, single submitter. Criteria: ACMG Guidelines, 2015. Collection method: clinical testing. Allele origin: germline.

Illumina Laboratory Services, Illumina
Classification: Likely benign for Endocardial fibroelastosis. Last evaluated: 2018-01-13. Review status: criteria provided, single submitter. Criteria: ICSL Variant Classification Criteria 13 December 2019. Collection method: clinical testing. Allele origin: germline.
Comment: This variant was observed in the ICSL laboratory as part of a predisposition screen in an ostensibly healthy population. It had not been previously curated by ICSL or reported in the Human Gene Mutation Database (HGMD: prior to June 1st, 2018), and was therefore a candidate for classification through an automated scoring system. Utilizing variant allele frequency, disease prevalence and penetrance estimates, and inheritance mode, an automated score was calculated to assess if this variant is too frequent to cause the disease. Based on the score and internal cut-off values, a variant classified as likely benign is not then subjected to further curation. The score for this variant resulted in a classification of likely benign for this disease.

Illumina Laboratory Services, Illumina
Classification: Uncertain significance for Primary dilated cardiomyopathy. Last evaluated: 2018-01-13. Review status: criteria provided, single submitter. Criteria: ICSL Variant Classification Criteria 13 December 2019. Collection method: clinical testing. Allele origin: germline.

Illumina Laboratory Services, Illumina
Classification: Likely benign for 3-Methylglutaconic aciduria type 2. Last evaluated: 2018-01-13. Review status: criteria provided, single submitter. Criteria: ICSL Variant Classification Criteria 13 December 2019. Collection method: clinical testing. Allele origin: germline.
Comment: the same text as in the submission from Illumina Laboratory Services, Illumina above.